The following is an entry in ClinVar:

NM_001184.4(ATR):c.1990C>T (p.His664Tyr)

Gene: ATR (ATR checkpoint kinase; minus strand). Cytogenetic location: 3q23.
Variant type: single nucleotide variant.
Coding change: c.1990C>T on transcript NM_001184.4 (MANE Select); coding-DNA position 1990, C replaced by T.
Protein change: p.His664Tyr; replaces histidine 664 with tyrosine.
Molecular consequence: missense variant.
Genome position (GRCh38, 1-based): chr3:142,556,471, G>A on the plus strand (C>T on the coding strand, the complement: ATR is on the minus strand). VCF-style: chr3-142556471-G-A. GRCh37 (hg19) VCF-style: chr3-142275313-G-A.
Other names: c.1798C>T, p.His600Tyr (NM_001354579.2); short protein forms H600Y, H664Y.
Identifiers: ClinVar variation 3221070 (VCV003221070.1), dbSNP rs1287036671, ClinGen allele CA354819285.

ClinVar aggregate classification (germline): Uncertain significance (1 of 4 stars; one submission).

Conditions:
Inborn genetic diseases. Identifiers: MedGen C0950123, MeSH D030342.

Submission:

Ambry Genetics
Classification: Uncertain significance for Inborn genetic diseases. Last evaluated: 2024-02-11. Review status: criteria provided, single submitter. Criteria: Ambry Variant Classification Scheme 2023. Collection method: clinical testing. Allele origin: germline.
Comment: The p.H664Y variant (also known as c.1990C>T), located in coding exon 9 of the ATR gene, results from a C to T substitution at nucleotide position 1990. The histidine at codon 664 is replaced by tyrosine, an amino acid with similar properties. This amino acid position is conserved. In addition, this alteration is predicted to be tolerated by in silico analysis. Based on the available evidence, the clinical significance of this alteration remains unclear.